The following is an entry in ClinVar:

NM_015450.3(POT1):c.626A>G (p.His209Arg)

Gene: POT1 (protection of telomeres 1; minus strand). Cytogenetic location: 7q31.33.
Variant type: single nucleotide variant.
Coding change: c.626A>G on transcript NM_015450.3 (MANE Select); coding-DNA position 626, A replaced by G.
Protein change: p.His209Arg; replaces histidine 209 with arginine.
Molecular consequence: missense variant. On other transcripts: non-coding transcript variant (3).
Genome position (GRCh38, 1-based): chr7:124,859,033, T>C on the plus strand (A>G on the coding strand, the complement: POT1 is on the minus strand). VCF-style: chr7-124859033-T-C. GRCh37 (hg19) VCF-style: chr7-124499087-T-C.
Other names: c.233A>G, p.His78Arg (NM_001042594.2); short protein forms H209R, H78R.
Identifiers: ClinVar variation 4673648 (VCV004673648.1).

ClinVar aggregate classification (germline): Uncertain significance (1 of 4 stars; one submission).

Conditions:
Hereditary cancer-predisposing syndrome. Also called: Neoplastic Syndromes, Hereditary; Tumor predisposition; Hereditary Cancer Syndrome; Hereditary neoplastic syndrome. Identifiers: Orphanet 140162, MedGen C0027672, MeSH D009386, MONDO:0015356.

Submission:

Ambry Genetics
Classification: Uncertain significance for Hereditary cancer-predisposing syndrome. Last evaluated: 2025-10-22. Review status: criteria provided, single submitter. Criteria: Ambry Variant Classification Scheme 2023. Collection method: clinical testing. Allele origin: germline.
Comment: The p.H209R variant (also known as c.626A>G), located in coding exon 5 of the POT1 gene, results from an A to G substitution at nucleotide position 626. The histidine at codon 209 is replaced by arginine, an amino acid with highly similar properties. This amino acid position is conserved. In addition, this alteration is predicted to be tolerated by in silico analysis. Based on the available evidence, the clinical significance of this variant remains unclear.